The following is an entry in ClinVar:

ClinVar aggregate classification (germline): Conflicting classifications of pathogenicity. Review status: criteria provided, conflicting classifications (1 of 4 stars). 3 submissions from 3 submitters: Uncertain significance (2); Benign (1). Last evaluated 2024-11-28.

Conditions:
SPTA1-related disorder. Also called: SPTA1-related disorders; SPTA1-related condition.

Allele frequency attached by ClinVar (database versions not stated): ExAC 0.00008; ESP Exome Variant Server 0.00016; gnomAD 0.00021; TOPMed 0.00023; 1000 Genomes Project 0.00060; 1000 Genomes Project 30x 0.00062.
gnomAD v4.1: 97 of 1,613,346 alleles (0.006%); highest among the groups gnomAD compares: African/African-American, 0.048%; 1 homozygote.

Submissions (3):

Revvity Omics, Revvity
Classification: Uncertain significance. Last evaluated: 2024-11-28. Review status: criteria provided, single submitter. Criteria: ACMG Guidelines, 2015. Collection method: clinical testing. Allele origin: germline.

Labcorp Genetics (formerly Invitae), Labcorp
Classification: Benign. Last evaluated: 2023-07-28. Review status: criteria provided, single submitter. Criteria: Invitae Variant Classification Sherloc (09022015). Collection method: clinical testing. Allele origin: germline.

PreventionGenetics, part of Exact Sciences
Classification: Uncertain significance for SPTA1-related condition. Last evaluated: 2022-12-09. Review status: criteria provided, single submitter. Criteria: ACMG Guidelines, 2015. Collection method: clinical testing. Allele origin: germline.
Comment: The SPTA1 c.2216G>A variant is predicted to result in the amino acid substitution p.Arg739His. To our knowledge, this variant has not been reported in the literature. This variant is reported in 0.054% of alleles in individuals of African descent in gnomAD. At this time, the clinical significance of this variant is uncertain due to the absence of conclusive functional and genetic evidence.

NM_003126.4(SPTA1):c.2216G>A (p.Arg739His)

Gene: SPTA1 (spectrin alpha, erythrocytic 1; minus strand). Cytogenetic location: 1q23.1.
Variant type: single nucleotide variant.
Coding change: c.2216G>A on transcript NM_003126.4 (MANE Select); coding-DNA position 2216, G replaced by A.
Protein change: p.Arg739His; replaces arginine 739 with histidine.
Molecular consequence: missense variant.
Genome position (GRCh38, 1-based): chr1:158,666,320, C>T on the plus strand (G>A on the coding strand, the complement: SPTA1 is on the minus strand). VCF-style: chr1-158666320-C-T. GRCh37 (hg19) VCF-style: chr1-158636110-C-T.
Other names: short protein forms R739H.
Identifiers: ClinVar variation 2635783 (VCV002635783.6), dbSNP rs145972324, ClinGen allele CA1183489.
Genomic context (GRCh38, chr1:158,666,320, plus strand): 5'-GTGCTCAGAGCATATACACCCATTGCTTATGGCTGGCCAAAGAGCTAACAACAAACCTGA[C>T]GAGCAGCCACAGCCGACTCCAGGAGGCCGTGTTTCCTGAGTCGATTCTGTACCTCGGCCA-3'
Protein context (NP_003117.2, residues 729-749): HGLLESAVAA[Arg739His]QDQVDILTDL